The following is an entry in ClinVar:

NM_000232.5(SGCB):c.935A>G (p.Asn312Ser)

Gene: SGCB (sarcoglycan beta; minus strand). Cytogenetic location: 4q12.
Variant type: single nucleotide variant.
Coding change: c.935A>G on transcript NM_000232.5 (MANE Select); coding-DNA position 935, A replaced by G.
Protein change: p.Asn312Ser; replaces asparagine 312 with serine.
Molecular consequence: missense variant.
Genome position (GRCh38, 1-based): chr4:52,023,979, T>C on the plus strand (A>G on the coding strand, the complement: SGCB is on the minus strand). VCF-style: chr4-52023979-T-C. GRCh37 (hg19) VCF-style: chr4-52890145-T-C.
Other names: c.725A>G, p.Asn242Ser (NM_001440519.1); c.638A>G, p.Asn213Ser (NM_001440520.1); short protein forms N213S, N242S, N312S.
Identifiers: ClinVar variation 5003676 (VCV005003676.1).

ClinVar aggregate classification (germline): Uncertain significance (1 of 4 stars; one submission).

Conditions:
Autosomal recessive limb-girdle muscular dystrophy type 2E (LGMDR4). Also called: MUSCULAR DYSTROPHY, LIMB-GIRDLE, AUTOSOMAL RECESSIVE 4. Identifiers: Orphanet 119, MedGen C1858593, MONDO:0011423, OMIM 604286. Disease mechanism: Affects gamma-sarcoglycan and also disrupts the integrity of the entire sarcoglycan complex..

gnomAD v4.1: 13 of 1,614,130 alleles (0.00081%); highest among the groups gnomAD compares: Middle Eastern, 0.033%; no homozygotes.

Submission:

Myriad Genetics, Inc.
Classification: Uncertain significance for Autosomal recessive limb-girdle muscular dystrophy type 2E. Last evaluated: 2026-01-12. Review status: criteria provided, single submitter. Criteria: Myriad Autosomal Dominant, Autosomal Recessive and X-Linked Classification Criteria (2023). Collection method: clinical testing. Allele origin: unknown.
Comment: NM_000232.4(SGCB):c.935A>G(N312S) is a missense variant classified as a variant of uncertain significance in the context of beta-sarcoglycanopathy. N312S has not been observed in cases with relevant disease. Relevant functional assessments of this variant are available in the literature (PMID: 37317968). N312S has been observed in referenced population frequency databases. In summary, there is insufficient evidence to classify NM_000232.4(SGCB):c.935A>G(N312S) as pathogenic or benign. Please note: this variant was assessed in the context of healthy population screening.

Literature cited by the submitters: PubMed 37317968.